The following is an entry in ClinVar:

NM_001942.4(DSG1):c.943G>A (p.Gly315Arg)

Gene: DSG1 (desmoglein 1; plus strand). Cytogenetic location: 18q12.1.
Variant type: single nucleotide variant.
Coding change: c.943G>A on transcript NM_001942.4 (MANE Select); coding-DNA position 943, G replaced by A.
Protein change: p.Gly315Arg; replaces glycine 315 with arginine.
Molecular consequence: missense variant.
Genome position (GRCh38, 1-based): chr18:31,334,140, G>A. VCF-style: chr18-31334140-G-A. GRCh37 (hg19) VCF-style: chr18-28914103-G-A.
Other names: short protein forms G315R.
Identifiers: ClinVar variation 1974429 (VCV001974429.5), dbSNP rs2511047472, ClinGen allele CA402131219.

ClinVar aggregate classification (germline): Uncertain significance (1 of 4 stars; one submission).

Submission:

Labcorp Genetics (formerly Invitae), Labcorp
Classification: Uncertain significance. Last evaluated: 2023-10-13. Review status: criteria provided, single submitter. Criteria: Invitae Variant Classification Sherloc (09022015). Collection method: clinical testing. Allele origin: germline.
Comment: This sequence change replaces glycine, which is neutral and non-polar, with arginine, which is basic and polar, at codon 315 of the DSG1 protein (p.Gly315Arg). This variant is not present in population databases (gnomAD no frequency). This variant has not been reported in the literature in individuals affected with DSG1-related conditions. ClinVar contains an entry for this variant (Variation ID: 1974429). Advanced modeling of protein sequence and biophysical properties (such as structural, functional, and spatial information, amino acid conservation, physicochemical variation, residue mobility, and thermodynamic stability) performed at Invitae indicates that this missense variant is not expected to disrupt DSG1 protein function. In summary, the available evidence is currently insufficient to determine the role of this variant in disease. Therefore, it has been classified as a Variant of Uncertain Significance.